The following is an entry in ClinVar:

ClinVar aggregate classification (germline): Uncertain significance (0 of 4 stars; one submission).

Conditions:
ADCY3-related disorder. Also called: ADCY3-related condition.

gnomAD v4.1: 4 of 1,614,012 alleles (0.00025%); highest among the groups gnomAD compares: African/African-American, 0.0027%; no homozygotes.

Submission:

PreventionGenetics, part of Exact Sciences
Classification: Uncertain significance for ADCY3-related condition. Last evaluated: 2024-05-02. Review status: no assertion criteria provided. Collection method: clinical testing. Allele origin: germline.
Comment: The ADCY3 c.1613C>T variant is predicted to result in the amino acid substitution p.Ala538Val. To our knowledge, this variant has not been reported in the literature or in gnomAD, indicating this variant is rare. At this time, the clinical significance of this variant is uncertain due to the absence of conclusive functional and genetic evidence.

NM_004036.5(ADCY3):c.1613C>T (p.Ala538Val)

Gene: ADCY3 (adenylate cyclase 3; minus strand). Cytogenetic location: 2p23.3.
Variant type: single nucleotide variant.
Coding change: c.1613C>T on transcript NM_004036.5 (MANE Select); coding-DNA position 1613, C replaced by T.
Protein change: p.Ala538Val; replaces alanine 538 with valine.
Molecular consequence: missense variant.
Genome position (GRCh38, 1-based): chr2:24,836,966, G>A on the plus strand (C>T on the coding strand, the complement: ADCY3 is on the minus strand). VCF-style: chr2-24836966-G-A. GRCh37 (hg19) VCF-style: chr2-25059835-G-A.
Other names: c.1613C>T, p.Ala538Val (NM_001320613.2, NM_001377129.1, NM_001377130.1 and 1 more transcripts); c.1679C>T, p.Ala560Val (NM_001377128.1); c.890C>T, p.Ala297Val (NM_001377131.1); short protein forms A297V, A538V, A560V.
Identifiers: ClinVar variation 3350643 (VCV003350643.1).